The following is an entry in ClinVar:

NM_000256.3(MYBPC3):c.619dup (p.Leu207fs)

Gene: MYBPC3 (myosin binding protein C3; minus strand). Cytogenetic location: 11p11.2.
Variant type: Duplication.
Coding change: c.619dup on transcript NM_000256.3 (MANE Select); coding-DNA position 619, one base duplicated (C; older notation c.619dupC).
Protein change: p.Leu207fs; shifts the reading frame from leucine 207.
Molecular consequence: frameshift variant.
Genome position (GRCh38, 1-based): chr11:47,349,809, G duplicated on the plus strand (C on the coding strand, the reverse complement: MYBPC3 is on the minus strand); the first of 2 consecutive G bases (chr11:47,349,809-47,349,810); duplicating either gives the same sequence. VCF-style (leftmost placement, unchanged base first): chr11-47349808-A-AG. GRCh37 (hg19) VCF-style: chr11-47371359-A-AG.
Other names: short protein forms L207fs.
Identifiers: ClinVar variation 2771180 (VCV002771180.3), dbSNP rs2495780419, ClinGen allele CA2697548555.

ClinVar aggregate classification (germline): Pathogenic (1 of 4 stars; one submission).

Conditions:
Hypertrophic cardiomyopathy. Also called: HYPERTROPHIC MYOCARDIOPATHY. Identifiers: Orphanet 217569, MedGen C0007194, MeSH D002312, MONDO:0005045, HP:0001639.

Submission:

Labcorp Genetics (formerly Invitae), Labcorp
Classification: Pathogenic for Hypertrophic cardiomyopathy. Last evaluated: 2023-10-23. Review status: criteria provided, single submitter. Criteria: Invitae Variant Classification Sherloc (09022015). Collection method: clinical testing. Allele origin: germline.
Comment: This sequence change creates a premature translational stop signal (p.Leu207Profs*34) in the MYBPC3 gene. It is expected to result in an absent or disrupted protein product. Loss-of-function variants in MYBPC3 are known to be pathogenic (PMID: 19574547). This variant is not present in population databases (gnomAD no frequency). This variant has not been reported in the literature in individuals affected with MYBPC3-related conditions. For these reasons, this variant has been classified as Pathogenic.

Literature cited by the submitters: PubMed 19574547.